The following is an entry in ClinVar:

ClinVar aggregate classification (germline): Uncertain significance (1 of 4 stars; one submission).

Conditions:
Medulloblastoma (MDB). Also called: MEDULLOBLASTOMA PREDISPOSITION SYNDROME; Medulloblastoma, somatic. Identifiers: Orphanet 616, MedGen C0025149, MeSH D008527, MONDO:0007959, OMIM 155255, HP:0002885.
Gorlin syndrome. Also called: Nevoid Basal Cell Carcinoma Syndrome; Basal cell nevus syndrome. Identifiers: Orphanet 377, MedGen C0004779, MONDO:0007187.

Allele frequency attached by ClinVar (database versions not stated): gnomAD exomes below 0.00001.

Submission:

Labcorp Genetics (formerly Invitae), Labcorp
Classification: Uncertain significance for Gorlin syndrome; Medulloblastoma. Last evaluated: 2023-09-25. Review status: criteria provided, single submitter. Criteria: Invitae Variant Classification Sherloc (09022015). Collection method: clinical testing. Allele origin: germline.
Comment: In summary, the available evidence is currently insufficient to determine the role of this variant in disease. Therefore, it has been classified as a Variant of Uncertain Significance. Advanced modeling of protein sequence and biophysical properties (such as structural, functional, and spatial information, amino acid conservation, physicochemical variation, residue mobility, and thermodynamic stability) performed at Invitae indicates that this missense variant is not expected to disrupt SUFU protein function. This variant has not been reported in the literature in individuals affected with SUFU-related conditions. This variant is not present in population databases (gnomAD no frequency). This sequence change replaces glycine, which is neutral and non-polar, with arginine, which is basic and polar, at codon 129 of the SUFU protein (p.Gly129Arg).

NM_016169.4(SUFU):c.385G>A (p.Gly129Arg)

Gene: SUFU (SUFU negative regulator of hedgehog signaling; plus strand). Cytogenetic location: 10q24.32.
Variant type: single nucleotide variant.
Coding change: c.385G>A on transcript NM_016169.4 (MANE Select); coding-DNA position 385, G replaced by A.
Protein change: p.Gly129Arg; replaces glycine 129 with arginine.
Molecular consequence: missense variant.
Genome position (GRCh38, 1-based): chr10:102,550,037, G>A. VCF-style: chr10-102550037-G-A. GRCh37 (hg19) VCF-style: chr10-104309794-G-A.
Other names: c.385G>A, p.Gly129Arg (NM_001178133.2); short protein forms G129R.
Identifiers: ClinVar variation 2952243 (VCV002952243.3), dbSNP rs2544969428, ClinGen allele CA377903359.
Genomic context (GRCh38, chr10:102,550,037, plus strand): 5'-GGAACAGATGGACCTAGTGGTTTTGGCTTTGAGTTGACCTTTCGTCTGAAGAGAGAAACT[G>A]GGGAGTCTGCCCCACCAACATGGCCCGCAGAGTTAATGCAGGGCTTGGCACGATACGTGT-3'
Protein context (NP_057253.2, residues 119-139): ELTFRLKRET[Gly129Arg]ESAPPTWPAE